The following is an entry in ClinVar:

NM_001267550.2(TTN):c.51704G>A (p.Arg17235Gln)

Genes: TTN (titin; minus strand), TTN-AS1 (TTN antisense RNA 1; plus strand). Cytogenetic location: 2q31.2.
Variant type: single nucleotide variant.
Coding change: c.51704G>A on transcript NM_001267550.2 (MANE Select); coding-DNA position 51704, G replaced by A.
Protein change: p.Arg17235Gln; replaces arginine 17235 with glutamine.
Molecular consequence: missense variant.
Genome position (GRCh38, 1-based): chr2:178,609,719, C>T on the plus strand (G>A on the coding strand, the complement: TTN is on the minus strand). VCF-style: chr2-178609719-C-T. GRCh37 (hg19) VCF-style: chr2-179474446-C-T.
Other names: p.R15594Q:CGG>CAG; c.46781G>A, p.Arg15594Gln (NM_001256850.1); c.24509G>A, p.Arg8170Gln (NM_003319.4); c.44000G>A, p.Arg14667Gln (NM_133378.4); c.24884G>A, p.Arg8295Gln (NM_133432.3); c.25085G>A, p.Arg8362Gln (NM_133437.4); short protein forms R15594Q, R17235Q, R8170Q, R8295Q, R8362Q, R14667Q.
Identifiers: ClinVar variation 202695 (VCV000202695.16), dbSNP rs573695008, ClinGen allele CA310007.

ClinVar aggregate classification (germline): Conflicting classifications of pathogenicity. Review status: criteria provided, conflicting classifications (1 of 4 stars). 6 submissions from 6 submitters: Uncertain significance (1); Likely benign (4). 1 of the submissions does not count toward it. Last evaluated 2026-01-28.

Conditions:
Autosomal recessive limb-girdle muscular dystrophy type 2J (LGMDR10). Also called: MUSCULAR DYSTROPHY, LIMB-GIRDLE, AUTOSOMAL RECESSIVE 10; Limb-girdle muscular dystrophy, type 2J. Identifiers: Orphanet 140922, MedGen C1837342, MONDO:0012127, OMIM 608807.
Dilated cardiomyopathy 1G (CMD1G). Identifiers: Orphanet 154, MedGen C1858763, MONDO:0011400, OMIM 604145.
Cardiomyopathy (CMYO). Also called: Cardiomyopathies. Identifiers: Orphanet 167848, MedGen C0878544, MONDO:0004994, HP:0001638. Inheritance: Various modes of inheritance.

Allele frequency attached by ClinVar (database versions not stated): gnomAD 0.00006; TOPMed 0.00012; 1000 Genomes Project 30x 0.00016; gnomAD exomes 0.00016; ExAC 0.00018; 1000 Genomes Project 0.00020.
gnomAD v4.1: 73 of 1,607,018 alleles (0.0045%); highest among the groups gnomAD compares: East Asian, 0.06%; no homozygotes.

Submissions (6):

Labcorp Genetics (formerly Invitae), Labcorp
Classification: Likely benign for Dilated cardiomyopathy 1G; Autosomal recessive limb-girdle muscular dystrophy type 2J. Last evaluated: 2026-01-28. Review status: criteria provided, single submitter. Criteria: Invitae Variant Classification Sherloc (09022015). Collection method: clinical testing. Allele origin: germline.

Women's Health and Genetics/Laboratory Corporation of America, LabCorp
Classification: Uncertain significance. Last evaluated: 2024-01-16. Review status: criteria provided, single submitter. Criteria: LabCorp Variant Classification Summary - May 2015. Collection method: clinical testing. Allele origin: germline.
Comment: Variant summary: TTN c.44000G>A (p.Arg14667Gln) results in a conservative amino acid change located in the A band region of the encoded protein sequence. Three of four in-silico tools predict a benign effect of the variant on protein function. The variant allele was found at a frequency of 0.00016 in 244912 control chromosomes (gnomAD). c.44000G>A has been reported in the literature in at-least one individual affected with Dilated cardiomyopathy (example: Zhang_2020). This report does not provide unequivocal conclusions about association of the variant with Limb-Girdle Muscular Dystrophy, Type 2J. To our knowledge, no experimental evidence demonstrating an impact on protein function has been reported. The following publication has been ascertained in the context of this evaluation (PMID: 32041989). ClinVar contains an entry for this variant (Variation ID: 202695). Based on the evidence outlined above, the variant was classified as uncertain significance.

Revvity Omics, Revvity
Classification: Likely benign. Last evaluated: 2023-05-17. Review status: criteria provided, single submitter. Criteria: ACMG Guidelines, 2015. Collection method: clinical testing. Allele origin: germline.

Blueprint Genetics
Classification: Likely benign. Last evaluated: 2022-11-30. Review status: criteria provided, single submitter. Criteria: ACMG Guidelines, 2015. Collection method: clinical testing. Allele origin: germline.

Center for Advanced Laboratory Medicine, UC San Diego Health, University of California San Diego
Classification: Likely benign for Cardiomyopathy. Last evaluated: 2019-06-11. Review status: criteria provided, single submitter. Criteria: ACMG Guidelines, 2015. Collection method: clinical testing. Allele origin: germline. Affected: yes. Observed: 1 variant allele.

GeneDx
No classification provided. Last evaluated: 2012-12-20. Review status: no classification provided. Criteria: GeneDx Variant Classification (06012015). Collection method: clinical testing. Allele origin: germline. Affected: yes. Not counted in ClinVar's aggregate classification.
Comment: Missense variants in the TTN gene are considered 'unclassified' if they are not previously reported in the literature and do not have >1% frequency in the population to be considered a polymorphism. Research indicates that truncating mutations in the TTN gene are expected to account for approximately 25% of familial and 18% of sporadic idiopathic DCM; however, truncating variants in the TTN gene have been reported in approximately 3% of reported control alleles. There has been little investigation into non-truncating variants. (Herman D et al. Truncations of titin causing dilated cardiomyopathy. N Eng J Med 366:619-628, 2012) The variant is found in DCM panel(s).

Literature cited by the submitters: PubMed 32041989 (cited by Women's Health and Genetics/Laboratory Corporation of America, LabCorp).